The following is an entry in ClinVar:

NM_007194.4(CHEK2):c.581G>A (p.Ser194Asn)

Gene: CHEK2 (checkpoint kinase 2; minus strand). Cytogenetic location: 22q12.1.
Variant type: single nucleotide variant.
Coding change: c.581G>A on transcript NM_007194.4 (MANE Select); coding-DNA position 581, G replaced by A.
Protein change: p.Ser194Asn; replaces serine 194 with asparagine.
Molecular consequence: missense variant. On other transcripts: 5 prime UTR variant (2), intron variant (1).
Genome position (GRCh38, 1-based): chr22:28,724,988, C>T on the plus strand (G>A on the coding strand, the complement: CHEK2 is on the minus strand). VCF-style: chr22-28724988-C-T. GRCh37 (hg19) VCF-style: chr22-29120976-C-T.
Other names: c.710G>A, p.Ser237Asn (NM_001005735.3, NM_001438294.1); c.-197G>A (NM_001257387.3); c.-83G>A (NM_001437942.1); c.674G>A, p.Ser225Asn (NM_001438293.1, NM_001438295.1); c.581G>A, p.Ser194Asn (NM_145862.3); c.445-65G>A (NM_001349956.3); short protein forms S194N, S237N, S225N.
Identifiers: ClinVar variation 656794 (VCV000656794.11), dbSNP rs1601822839, ClinGen allele CA411107000.
Genomic context (GRCh38, chr22:28,724,988, plus strand): 5'-GAGAGAGTGGAAAAAAAAAATTCCAGTAACCATAAGATAATAATATTACCTTTATTTCTG[C>T]TTAGTGACAGTGCAATTTCAGAATTGTTATTCAAAGGACGGCGTTTTCCTTTCCCTACAA-3'
Protein context (NP_009125.1, residues 184-204): NNNSEIALSL[Ser194Asn]RNKVFVFFDL

ClinVar aggregate classification (germline): Uncertain significance (1 of 4 stars; one submission).

Conditions:
Familial cancer of breast. Also called: Hereditary breast cancer; hereditary breast carcinoma; BREAST CANCER, FAMILIAL. Identifiers: Orphanet 227535, MedGen C0346153, MONDO:0016419, OMIM 114480. Disease mechanism: loss of function.

Submission:

Labcorp Genetics (formerly Invitae), Labcorp
Classification: Uncertain significance for Familial cancer of breast. Last evaluated: 2024-01-19. Review status: criteria provided, single submitter. Criteria: Invitae Variant Classification Sherloc (09022015). Collection method: clinical testing. Allele origin: germline.
Comment: This sequence change replaces serine, which is neutral and polar, with asparagine, which is neutral and polar, at codon 194 of the CHEK2 protein (p.Ser194Asn). This variant is not present in population databases (gnomAD no frequency). This variant has not been reported in the literature in individuals affected with CHEK2-related conditions. ClinVar contains an entry for this variant (Variation ID: 656794). An algorithm developed to predict the effect of missense changes on protein structure and function (PolyPhen-2) suggests that this variant is likely to be tolerated. In summary, the available evidence is currently insufficient to determine the role of this variant in disease. Therefore, it has been classified as a Variant of Uncertain Significance.